The following is an entry in ClinVar:

NM_030958.3(SLCO5A1):c.1031T>C (p.Ile344Thr)

Gene: SLCO5A1 (solute carrier organic anion transporter family member 5A1; minus strand). Cytogenetic location: 8q13.3.
Variant type: single nucleotide variant.
Coding change: c.1031T>C on transcript NM_030958.3 (MANE Select); coding-DNA position 1031, T replaced by C.
Protein change: p.Ile344Thr; replaces isoleucine 344 with threonine.
Molecular consequence: missense variant.
Genome position (GRCh38, 1-based): chr8:69,761,752, A>G on the plus strand (T>C on the coding strand, the complement: SLCO5A1 is on the minus strand). VCF-style: chr8-69761752-A-G. GRCh37 (hg19) VCF-style: chr8-70673987-A-G.
Other names: c.1031T>C, p.Ile344Thr (NM_001146008.2, NM_001146009.1); c.1031T>C (NM_030958.2); short protein forms I344T.
Identifiers: ClinVar variation 2419061 (VCV002419061.7), dbSNP rs750358609, ClinGen allele CA178326521.
Genomic context (GRCh38, chr8:69,761,752, plus strand): 5'-TAACTATTATTAGTAAGAACTGAAATTTAAAAATTAGAAAACAGAACTTACCAGTTTCCA[A>G]TGAAACGAGGGTCATTCTGGTCAAGGTGAACAGGATTTCTGGGATCAACATAAAAACCAA-3'
Protein context (NP_112220.2, residues 334-354): VHLDQNDPRF[Ile344Thr]GNWWSGFLLC

ClinVar aggregate classification (germline): Uncertain significance. Review status: criteria provided, multiple submitters, no conflicts (2 of 4 stars). 2 submissions from 2 submitters: Uncertain significance (2). Last evaluated 2025-06-22.

Allele frequency attached by ClinVar (database versions not stated): TOPMed below 0.00001; gnomAD 0.00001; gnomAD exomes 0.00001.
gnomAD v4.1: 19 of 1,613,190 alleles (0.0012%); highest among the groups gnomAD compares: Non-Finnish European, 0.0015%; no homozygotes.

Submissions (2):

Labcorp Genetics (formerly Invitae), Labcorp
Classification: Uncertain significance. Last evaluated: 2025-06-22. Review status: criteria provided, single submitter. Criteria: Invitae Variant Classification Sherloc (09022015). Collection method: clinical testing. Allele origin: germline.
Comment: This sequence change replaces isoleucine, which is neutral and non-polar, with threonine, which is neutral and polar, at codon 344 of the SLCO5A1 protein (p.Ile344Thr). This variant is not present in population databases (gnomAD no frequency). This variant has not been reported in the literature in individuals affected with SLCO5A1-related conditions. ClinVar contains an entry for this variant (Variation ID: 2419061). An algorithm developed to predict the effect of missense changes on protein structure and function (PolyPhen-2) suggests that this variant is likely to be disruptive. In summary, the available evidence is currently insufficient to determine the role of this variant in disease. Therefore, it has been classified as a Variant of Uncertain Significance.

Ambry Genetics
Classification: Uncertain significance. Last evaluated: 2024-09-24. Review status: criteria provided, single submitter. Criteria: Ambry Variant Classification Scheme 2023. Collection method: clinical testing. Allele origin: germline.